The following is an entry in ClinVar:

NM_020884.7(MYH7B):c.179dup (p.Glu61fs)

Gene: MYH7B (myosin heavy chain 7B; plus strand). Cytogenetic location: 20q11.22.
Variant type: Duplication.
Coding change: c.179dup on transcript NM_020884.7 (MANE Select); coding-DNA position 179, one base duplicated (T; older notation c.179dupT).
Protein change: p.Glu61fs; shifts the reading frame from glutamic acid 61.
Molecular consequence: frameshift variant.
Genome position (GRCh38, 1-based): chr20:34,979,477, T duplicated. VCF-style (leftmost placement, unchanged base first): chr20-34979476-G-GT. GRCh37 (hg19) VCF-style: chr20-33567279-G-GT.
Other names: short protein forms E61fs.
Identifiers: ClinVar variation 4766426 (VCV004766426.1).

ClinVar aggregate classification (germline): Uncertain significance (1 of 4 stars; one submission).

Submission:

Labcorp Genetics (formerly Invitae), Labcorp
Classification: Uncertain significance. Last evaluated: 2025-03-27. Review status: criteria provided, single submitter. Criteria: Invitae Variant Classification Sherloc (09022015). Collection method: clinical testing. Allele origin: germline.
Comment: This sequence change creates a premature translational stop signal (p.Glu103Glyfs*12) in the MYH7B gene. It is expected to result in an absent or disrupted protein product. However, the current clinical and genetic evidence is not sufficient to establish whether loss-of-function variants in MYH7B cause disease. This variant is not present in population databases (gnomAD no frequency). This variant has not been reported in the literature in individuals affected with MYH7B-related conditions. In summary, the available evidence is currently insufficient to determine the role of this variant in disease. Therefore, it has been classified as a Variant of Uncertain Significance.